The following is an entry in ClinVar:

NM_000238.4(KCNH2):c.2171T>C (p.Leu724Pro)

Gene: KCNH2 (potassium voltage-gated channel subfamily H member 2; minus strand). Cytogenetic location: 7q36.1.
Variant type: single nucleotide variant.
Coding change: c.2171T>C on transcript NM_000238.4 (MANE Select); coding-DNA position 2171, T replaced by C.
Protein change: p.Leu724Pro; replaces leucine 724 with proline.
Molecular consequence: missense variant.
Genome position (GRCh38, 1-based): chr7:150,950,395, A>G on the plus strand (T>C on the coding strand, the complement: KCNH2 is on the minus strand). VCF-style: chr7-150950395-A-G. GRCh37 (hg19) VCF-style: chr7-150647483-A-G.
Other names: c.2171T>C (NM_000238.2); c.1151T>C, p.Leu384Pro (NM_001204798.2, NM_172057.3); c.1883T>C, p.Leu628Pro (NM_001406753.1, NM_001406756.1); c.1994T>C, p.Leu665Pro (NM_001406755.1); c.1871T>C, p.Leu624Pro (NM_001406757.1); c.2171T>C, p.Leu724Pro (NM_172056.3); short protein forms L384P, L724P, L624P, L665P, L628P.
Identifiers: ClinVar variation 527007 (VCV000527007.11), dbSNP rs1554425307, ClinGen allele CA369856677.

ClinVar aggregate classification (germline): Uncertain significance. Review status: criteria provided, multiple submitters, no conflicts (2 of 4 stars). 2 submissions from 2 submitters: Uncertain significance (2). Last evaluated 2022-03-09.

Conditions:
Long QT syndrome (LQTS). Identifiers: MedGen C0023976, MeSH D008133, MONDO:0002442. Disease mechanism: loss of function. Inheritance: Various modes of inheritance.

Submissions (2):

Labcorp Genetics (formerly Invitae), Labcorp
Classification: Uncertain significance for Long QT syndrome. Last evaluated: 2022-03-09. Review status: criteria provided, single submitter. Criteria: Invitae Variant Classification Sherloc (09022015). Collection method: clinical testing. Allele origin: germline.
Comment: In summary, the available evidence is currently insufficient to determine the role of this variant in disease. Therefore, it has been classified as a Variant of Uncertain Significance. Algorithms developed to predict the effect of missense changes on protein structure and function are either unavailable or do not agree on the potential impact of this missense change (SIFT: "Deleterious"; PolyPhen-2: "Probably Damaging"; Align-GVGD: "Class C0"). ClinVar contains an entry for this variant (Variation ID: 527007). This missense change has been observed in individual(s) with clinical features of KCNH2-related conditions (Invitae). This variant is not present in population databases (gnomAD no frequency). This sequence change replaces leucine, which is neutral and non-polar, with proline, which is neutral and non-polar, at codon 724 of the KCNH2 protein (p.Leu724Pro).

GeneDx
Classification: Uncertain significance. Last evaluated: 2019-09-19. Review status: criteria provided, single submitter. Criteria: GeneDx Variant Classification Process June 2021. Collection method: clinical testing. Allele origin: germline. Affected: yes.
Comment: Has not been previously published as pathogenic or benign to our knowledge; Not observed in large population cohorts (Lek et al., 2016); In silico analysis, which includes protein predictors and evolutionary conservation, supports a deleterious effect